The following is an entry in ClinVar:

NM_024700.4(SNIP1):c.185G>T (p.Arg62Leu)

Genes: SNIP1 (Smad nuclear interacting protein 1; minus strand), LOC129930156 (ATAC-STARR-seq lymphoblastoid silent region 673; plus strand). Cytogenetic location: 1p34.3.
Variant type: single nucleotide variant.
Coding change: c.185G>T on transcript NM_024700.4 (MANE Select); coding-DNA position 185, G replaced by T.
Protein change: p.Arg62Leu; replaces arginine 62 with leucine.
Molecular consequence: missense variant.
Genome position (GRCh38, 1-based): chr1:37,554,045, C>A on the plus strand (G>T on the coding strand, the complement: SNIP1 is on the minus strand). VCF-style: chr1-37554045-C-A. GRCh37 (hg19) VCF-style: chr1-38019646-C-A.
Other names: short protein forms R62L.
Identifiers: ClinVar variation 1403155 (VCV001403155.8), dbSNP rs1334809721, ClinGen allele CA339429784.

ClinVar aggregate classification (germline): Uncertain significance (1 of 4 stars; one submission).

gnomAD v4.1: 22 of 1,583,638 alleles (0.0014%); highest among the groups gnomAD compares: Non-Finnish European, 0.0019%; no homozygotes.

Submission:

Labcorp Genetics (formerly Invitae), Labcorp
Classification: Uncertain significance. Last evaluated: 2022-06-27. Review status: criteria provided, single submitter. Criteria: Invitae Variant Classification Sherloc (09022015). Collection method: clinical testing. Allele origin: germline.
Comment: In summary, the available evidence is currently insufficient to determine the role of this variant in disease. Therefore, it has been classified as a Variant of Uncertain Significance. Algorithms developed to predict the effect of missense changes on protein structure and function (SIFT, PolyPhen-2, Align-GVGD) all suggest that this variant is likely to be tolerated. This variant has not been reported in the literature in individuals affected with SNIP1-related conditions. The frequency data for this variant in the population databases is considered unreliable, as metrics indicate poor data quality at this position in the gnomAD database. This sequence change replaces arginine, which is basic and polar, with leucine, which is neutral and non-polar, at codon 62 of the SNIP1 protein (p.Arg62Leu).